The following is an entry in ClinVar:

ClinVar aggregate classification (germline): Uncertain significance (1 of 4 stars; one submission).

gnomAD v4.1: 2 of 1,211,625 alleles (0.00017%); highest among the groups gnomAD compares: Non-Finnish European, 0.00022%; no homozygotes.

Submission:

GeneDx
Classification: Uncertain significance. Last evaluated: 2026-04-02. Review status: criteria provided, single submitter. Criteria: GeneDx Variant Classification Process June 2021. Collection method: clinical testing. Allele origin: germline.
Comment: Not observed at significant frequency in large population cohorts (gnomAD); In silico analysis supports that this missense variant has a deleterious effect on protein structure/function; Has not been previously published as pathogenic or benign to our knowledge

NM_001368397.1(FRMPD4):c.940A>C (p.Asn314His)

Gene: FRMPD4 (FERM and PDZ domain containing 4; plus strand). Cytogenetic location: Xp22.2.
Variant type: single nucleotide variant.
Coding change: c.940A>C on transcript NM_001368397.1 (MANE Select); coding-DNA position 940, A replaced by C.
Protein change: p.Asn314His; replaces asparagine 314 with histidine.
Molecular consequence: missense variant.
Genome position (GRCh38, 1-based): chrX:12,701,880, A>C. VCF-style: chrX-12701880-A-C. GRCh37 (hg19) VCF-style: chrX-12719999-A-C.
Other names: c.1051A>C, p.Asn351His (NM_001368395.3, NM_001368398.3); c.946A>C, p.Asn316His (NM_001368396.3); c.931A>C, p.Asn311His (NM_001368399.3); c.820A>C, p.Asn274His (NM_001368400.3); c.916A>C, p.Asn306His (NM_001368401.1, NM_001368402.3); c.940A>C, p.Asn314His (NM_014728.3); short protein forms N274H, N306H, N311H, N314H, N316H, N351H.
Identifiers: ClinVar variation 5016901 (VCV005016901.1).